The following is an entry in ClinVar:

ClinVar aggregate classification (germline): Uncertain significance (1 of 4 stars; one submission).

Submission:

Labcorp Genetics (formerly Invitae), Labcorp
Classification: Uncertain significance. Last evaluated: 2023-08-04. Review status: criteria provided, single submitter. Criteria: Invitae Variant Classification Sherloc (09022015). Collection method: clinical testing. Allele origin: germline.
Comment: In summary, the available evidence is currently insufficient to determine the role of this variant in disease. Therefore, it has been classified as a Variant of Uncertain Significance. Experimental studies and prediction algorithms are not available or were not evaluated, and the functional significance of this variant is currently unknown. This variant has not been reported in the literature in individuals affected with BLOC1S3-related conditions. This variant is not present in population databases (gnomAD no frequency). This variant, c.100_102del, results in the deletion of 1 amino acid(s) of the BLOC1S3 protein (p.Ser34del), but otherwise preserves the integrity of the reading frame.

NM_212550.5(BLOC1S3):c.97TCG[1] (p.Ser34del)

Gene: BLOC1S3 (biogenesis of lysosomal organelles complex 1 subunit 3; plus strand). Cytogenetic location: 19q13.32.
Variant type: Microsatellite.
Coding change: c.97TCG[1] on transcript NM_212550.5 (MANE Select); one copy of the 3-base unit TCG starting at c.97; the reference has two copies in a row; one copy, 3 bases deleted.
Protein change: p.Ser34del; deletes serine 34.
Molecular consequence: inframe deletion.
Genome position (GRCh38, 1-based): chr19:45,179,396-45,179,398, TCG deleted; deleting any 3 consecutive bases within chr19:45,179,393-45,179,398 gives the same sequence; the position shown is the placement nearest the transcript's 3' end. VCF-style (leftmost placement, unchanged base first): chr19-45179392-CTCG-C. GRCh37 (hg19) VCF-style: chr19-45682650-CTCG-C.
Other names: short protein forms S34del.
Identifiers: ClinVar variation 1903995 (VCV001903995.3), dbSNP rs1215441802, ClinGen allele CA882713922.